The following is an entry in ClinVar:

ClinVar aggregate classification (germline): Likely benign. Review status: criteria provided, multiple submitters, no conflicts (2 of 4 stars). 2 submissions from 2 submitters: Likely benign (2). Last evaluated 2022-10-05.

Conditions:
EGFR-related lung cancer (EGFR). Identifiers: MedGen CN130014.

Submissions (2):

Labcorp Genetics (formerly Invitae), Labcorp
Classification: Likely benign for EGFR-related lung cancer. Last evaluated: 2022-10-05. Review status: criteria provided, single submitter. Criteria: Invitae Variant Classification Sherloc (09022015). Collection method: clinical testing. Allele origin: germline.

CeGaT Center for Human Genetics Tuebingen
Classification: Likely benign. Last evaluated: 2022-07-01. Review status: criteria provided, single submitter. Criteria: CeGaT Center For Human Genetics Tuebingen Variant Classification Criteria Version 2. Collection method: clinical testing. Allele origin: germline. Affected: yes. Observed: 1 variant allele.
Comment: EGFR: PM2:Supporting, BP4, BP7

NM_005228.5(EGFR):c.828G>A (p.Gln276=)

Gene: EGFR (epidermal growth factor receptor; plus strand). Cytogenetic location: 7p11.2.
Variant type: single nucleotide variant.
Coding change: c.828G>A on transcript NM_005228.5 (MANE Select); coding-DNA position 828, G replaced by A.
Protein change: p.Gln276=; no amino-acid change (glutamine 276 retained).
Molecular consequence: synonymous variant. On other transcripts: intron variant (1).
Genome position (GRCh38, 1-based): chr7:55,154,091, G>A. VCF-style: chr7-55154091-G-A. GRCh37 (hg19) VCF-style: chr7-55221784-G-A.
Other names: c.693G>A, p.Gln231= (NM_001346897.2, NM_001346899.2); c.828G>A, p.Gln276= (NM_001346898.2, NM_201282.2, NM_201283.2 and 1 more transcripts); c.669G>A, p.Gln223= (NM_001346900.2); c.89-1739G>A (NM_001346941.2).
Identifiers: ClinVar variation 1605554 (VCV001605554.32), dbSNP rs2128935031, ClinGen allele CA454966006.